The following is an entry in ClinVar:

ClinVar aggregate classification (germline): Uncertain significance (1 of 4 stars; one submission).

Conditions:
Early-infantile DEE. Also called: Early infantile epileptic encephalopathy; Early infantile epileptic encephalopathy with suppression bursts; Ohtahara syndrome. Identifiers: Orphanet 1934, MedGen C0393706, MONDO:0800491.

gnomAD v4.1: 10 of 1,613,910 alleles (0.00062%); highest among the groups gnomAD compares: Admixed American, 0.0033%; no homozygotes.

Submission:

Labcorp Genetics (formerly Invitae), Labcorp
Classification: Uncertain significance for Early-infantile DEE. Last evaluated: 2024-05-16. Review status: criteria provided, single submitter. Criteria: Invitae Variant Classification Sherloc (09022015). Collection method: clinical testing. Allele origin: germline.
Comment: This sequence change replaces glycine, which is neutral and non-polar, with tryptophan, which is neutral and slightly polar, at codon 367 of the ARHGEF15 protein (p.Gly367Trp). This variant is present in population databases (rs746223199, gnomAD 0.006%). This variant has not been reported in the literature in individuals affected with ARHGEF15-related conditions. ClinVar contains an entry for this variant (Variation ID: 1487651). An algorithm developed to predict the effect of missense changes on protein structure and function (PolyPhen-2) suggests that this variant is likely to be disruptive. In summary, the available evidence is currently insufficient to determine the role of this variant in disease. Therefore, it has been classified as a Variant of Uncertain Significance.

NM_173728.4(ARHGEF15):c.1099G>T (p.Gly367Trp)

Gene: ARHGEF15 (Rho guanine nucleotide exchange factor 15; plus strand). Cytogenetic location: 17p13.1.
Variant type: single nucleotide variant.
Coding change: c.1099G>T on transcript NM_173728.4 (MANE Select); coding-DNA position 1099, G replaced by T.
Protein change: p.Gly367Trp; replaces glycine 367 with tryptophan.
Molecular consequence: missense variant.
Genome position (GRCh38, 1-based): chr17:8,315,116, G>T. VCF-style: chr17-8315116-G-T. GRCh37 (hg19) VCF-style: chr17-8218434-G-T.
Other names: c.1099G>T, p.Gly367Trp (NM_025014.2); short protein forms G367W.
Identifiers: ClinVar variation 1487651 (VCV001487651.6), dbSNP rs746223199, ClinGen allele CA8375093.